The following is an entry in ClinVar:

NM_019594.4(LRRC8A):c.1023G>T (p.Trp341Cys)

Gene: LRRC8A (leucine rich repeat containing 8 VRAC subunit A; plus strand). Cytogenetic location: 9q34.11.
Variant type: single nucleotide variant.
Coding change: c.1023G>T on transcript NM_019594.4 (MANE Select); coding-DNA position 1023, G replaced by T.
Protein change: p.Trp341Cys; replaces tryptophan 341 with cysteine.
Molecular consequence: missense variant.
Genome position (GRCh38, 1-based): chr9:128,908,187, G>T. VCF-style: chr9-128908187-G-T. GRCh37 (hg19) VCF-style: chr9-131670466-G-T.
Other names: c.1023G>T, p.Trp341Cys (NM_001127244.2, NM_001127245.2); short protein forms W341C.
Identifiers: ClinVar variation 3020906 (VCV003020906.3), dbSNP rs773155128, ClinGen allele CA5270822.

ClinVar aggregate classification (germline): Uncertain significance (1 of 4 stars; one submission).

Allele frequency attached by ClinVar (database versions not stated): ExAC 0.00002.
gnomAD v4.1: 7 of 1,614,056 alleles (0.00043%); highest among the groups gnomAD compares: Admixed American, 0.012%; no homozygotes.

Submission:

Labcorp Genetics (formerly Invitae), Labcorp
Classification: Uncertain significance. Last evaluated: 2025-03-25. Review status: criteria provided, single submitter. Criteria: Invitae Variant Classification Sherloc (09022015). Collection method: clinical testing. Allele origin: germline.
Comment: This sequence change replaces tryptophan, which is neutral and slightly polar, with cysteine, which is neutral and slightly polar, at codon 341 of the LRRC8A protein (p.Trp341Cys). This variant is present in population databases (rs773155128, gnomAD 0.02%). This variant has not been reported in the literature in individuals affected with LRRC8A-related conditions. ClinVar contains an entry for this variant (Variation ID: 3020906). An algorithm developed to predict the effect of missense changes on protein structure and function (PolyPhen-2) suggests that this variant is likely to be tolerated. In summary, the available evidence is currently insufficient to determine the role of this variant in disease. Therefore, it has been classified as a Variant of Uncertain Significance.